The following is an entry in ClinVar:

NM_000179.3(MSH6):c.3145T>C (p.Ser1049Pro)

Gene: MSH6 (mutS homolog 6; plus strand). Cytogenetic location: 2p16.3.
Variant type: single nucleotide variant.
Coding change: c.3145T>C on transcript NM_000179.3 (MANE Select); coding-DNA position 3145, T replaced by C.
Protein change: p.Ser1049Pro; replaces serine 1049 with proline.
Molecular consequence: missense variant. On other transcripts: non-coding transcript variant (5), intron variant (2).
Genome position (GRCh38, 1-based): chr2:47,801,128, T>C. VCF-style: chr2-47801128-T-C. GRCh37 (hg19) VCF-style: chr2-48028267-T-C.
Other names: c.2755T>C, p.Ser919Pro (NM_001281492.2); c.2239T>C, p.Ser747Pro (NM_001281493.2, NM_001281494.2, NM_001406811.1 and 6 more transcripts); c.3241T>C, p.Ser1081Pro (NM_001406795.1, NM_001406802.1); c.3145T>C, p.Ser1049Pro (NM_001406796.1, NM_001406798.1, NM_001406800.1 and 2 more transcripts); c.2848T>C, p.Ser950Pro (NM_001406797.1, NM_001406801.1, NM_001406805.1 and 10 more transcripts); c.2620T>C, p.Ser874Pro (NM_001406799.1, NM_001406806.1, NM_001406807.1); c.3067T>C, p.Ser1023Pro (NM_001406804.1); c.3151T>C, p.Ser1051Pro (NM_001406813.1); and 4 more; short protein forms S1081P, S364P, S919P, S1049P, S1051P, S874P, S993P, S1023P.
Identifiers: ClinVar variation 4827447 (VCV004827447.1).

ClinVar aggregate classification (germline): Uncertain significance (1 of 4 stars; one submission).

Conditions:
Hereditary cancer-predisposing syndrome. Also called: Neoplastic Syndromes, Hereditary; Tumor predisposition; Hereditary Cancer Syndrome; Hereditary neoplastic syndrome. Identifiers: Orphanet 140162, MedGen C0027672, MeSH D009386, MONDO:0015356.

Submission:

Ambry Genetics
Classification: Uncertain significance for Hereditary cancer-predisposing syndrome. Last evaluated: 2026-02-24. Review status: criteria provided, single submitter. Criteria: Ambry Variant Classification Scheme 2023. Collection method: clinical testing. Allele origin: germline.
Comment: The p.S1049P variant (also known as c.3145T>C), located in coding exon 4 of the MSH6 gene, results from a T to C substitution at nucleotide position 3145. The serine at codon 1049 is replaced by proline, an amino acid with similar properties. This amino acid position is conserved. In addition, the in silico prediction for this alteration is inconclusive. Based on the available evidence, the clinical significance of this variant remains unclear.